The following is an entry in ClinVar:

NM_000535.7(PMS2):c.375C>T (p.Cys125=)

Gene: PMS2 (PMS1 homolog 2, mismatch repair system component; minus strand). Cytogenetic location: 7p22.1.
Variant type: single nucleotide variant.
Coding change: c.375C>T on transcript NM_000535.7 (MANE Select); coding-DNA position 375, C replaced by T.
Protein change: p.Cys125=; no amino-acid change (cysteine 125 retained).
Molecular consequence: synonymous variant. On other transcripts: 5 prime UTR variant (8), non-coding transcript variant (1).
Genome position (GRCh38, 1-based): chr7:6,002,615, G>A on the plus strand (C>T on the coding strand, the complement: PMS2 is on the minus strand). VCF-style: chr7-6002615-G-A. GRCh37 (hg19) VCF-style: chr7-6042246-G-A.
Other names: c.-31C>T (NM_001322003.2, NM_001322004.2, NM_001322005.2 and 3 more transcripts); c.375C>T, p.Cys125= (NM_001322006.2, NM_001322014.2); c.57C>T, p.Cys19= (NM_001322007.2, NM_001322008.2); c.-510C>T (NM_001322011.2, NM_001322012.2); c.66C>T, p.Cys22= (NM_001322015.2).
Identifiers: ClinVar variation 824167 (VCV000824167.10), dbSNP rs1562690527, ClinGen allele CA453647742.
Genomic context (GRCh38, chr7:6,002,615, plus strand): 5'-CTGGATAATTTTCCCATTGTGATCAAACATCAGTCGAGTTCCAACCTTCGCCGATGCGTG[G>A]CAGGTAGAAATGGTGACATCGCTGTGAGAGAATACCAGGCATGGTGTGTTCAGTGAGAGA-3'
Protein context (NP_000526.2, residues 115-135): CALSDVTIST[Cys125=]HASAKVGTRL

ClinVar aggregate classification (germline): Benign/Likely benign. Review status: criteria provided, multiple submitters, no conflicts (2 of 4 stars). 3 submissions from 3 submitters: Benign (1); Likely benign (2). Last evaluated 2025-01-24.

Conditions:
Hereditary nonpolyposis colorectal neoplasms. Identifiers: MedGen C0009405, MeSH D003123.
Lynch syndrome 4 (LYNCH4). Also called: Colorectal cancer, hereditary nonpolyposis, type 4; Hereditary non-polyposis colorectal cancer, type 4. Identifiers: Orphanet 144, MedGen C1838333, MONDO:0013699, OMIM 614337. Disease mechanism: loss of function.
Hereditary cancer-predisposing syndrome. Also called: Neoplastic Syndromes, Hereditary; Tumor predisposition; Hereditary neoplastic syndrome; Hereditary Cancer Syndrome. Identifiers: Orphanet 140162, MedGen C0027672, MeSH D009386, MONDO:0015356.

Submissions (3):

Myriad Genetics, Inc.
Classification: Benign for Lynch syndrome 4. Last evaluated: 2025-01-24. Review status: criteria provided, single submitter. Criteria: Myriad Autosomal Dominant, Autosomal Recessive and X-Linked Classification Criteria (2023). Collection method: clinical testing. Allele origin: unknown.
Comment: This variant is considered benign. This variant is a silent/synonymous amino acid change and it is not expected to impact splicing.

Labcorp Genetics (formerly Invitae), Labcorp
Classification: Likely benign for Hereditary nonpolyposis colorectal neoplasms. Last evaluated: 2023-01-20. Review status: criteria provided, single submitter. Criteria: Invitae Variant Classification Sherloc (09022015). Collection method: clinical testing. Allele origin: germline.

Ambry Genetics
Classification: Likely benign for Hereditary cancer-predisposing syndrome. Last evaluated: 2018-09-12. Review status: criteria provided, single submitter. Criteria: Ambry Variant Classification Scheme 2023. Collection method: clinical testing. Allele origin: germline.